The following is an entry in ClinVar:

NM_000925.4(PDHB):c.208A>T (p.Ser70Cys)

Gene: PDHB (pyruvate dehydrogenase E1 subunit beta; minus strand). Cytogenetic location: 3p14.3.
Variant type: single nucleotide variant.
Coding change: c.208A>T on transcript NM_000925.4 (MANE Select); coding-DNA position 208, A replaced by T.
Protein change: p.Ser70Cys; replaces serine 70 with cysteine.
Molecular consequence: missense variant. On other transcripts: non-coding transcript variant (1).
Genome position (GRCh38, 1-based): chr3:58,431,790, T>A on the plus strand (A>T on the coding strand, the complement: PDHB is on the minus strand). VCF-style: chr3-58431790-T-A. GRCh37 (hg19) VCF-style: chr3-58417517-T-A.
Other names: c.208A>T, p.Ser70Cys (NM_001173468.2); c.154A>T, p.Ser52Cys (NM_001315536.2); short protein forms S52C, S70C.
Identifiers: ClinVar variation 4855291 (VCV004855291.1).

ClinVar aggregate classification (germline): Uncertain significance (1 of 4 stars; one submission).

Conditions:
Pyruvate dehydrogenase E1-beta deficiency (PDHBD). Identifiers: Orphanet 255138, Orphanet 765, MedGen C3279841, MONDO:0013580, OMIM 614111.

Submission:

3billion
Classification: Uncertain significance for Pyruvate dehydrogenase E1-beta deficiency. Last evaluated: 2025-09-01. Review status: criteria provided, single submitter. Criteria: ACMG Guidelines, 2015. Collection method: clinical testing. Allele origin: germline. Affected: yes.
Comment: The variant is not observed in the gnomAD v4.1.0 dataset. Predicted Consequence/Location: Missense variant In silico tool predictions suggest damaging effect of the variant on gene or gene product [REVEL: 0.91 (>=0.6, sensitivity 0.68 and specificity 0.92)]. Different missense changes at the same codon have been reported as of uncertain significance (ClinVar ID: VCV004059498). Therefore, this variant is classified as VUS according to the recommendation of ACMG/AMP guideline.